The following is an entry in ClinVar:

NM_001040108.2(MLH3):c.1831C>A (p.His611Asn)

Gene: MLH3 (mutL homolog 3; minus strand). Cytogenetic location: 14q24.3.
Variant type: single nucleotide variant.
Coding change: c.1831C>A on transcript NM_001040108.2 (MANE Select); coding-DNA position 1831, C replaced by A.
Protein change: p.His611Asn; replaces histidine 611 with asparagine.
Molecular consequence: missense variant.
Genome position (GRCh38, 1-based): chr14:75,047,825, G>T on the plus strand (C>A on the coding strand, the complement: MLH3 is on the minus strand). VCF-style: chr14-75047825-G-T. GRCh37 (hg19) VCF-style: chr14-75514528-G-T.
Other names: c.1831C>A, p.His611Asn (NM_014381.3); short protein forms H611N.
Identifiers: ClinVar variation 2139699 (VCV002139699.8), dbSNP rs756485038, ClinGen allele CA390444110.

ClinVar aggregate classification (germline): Uncertain significance. Review status: criteria provided, multiple submitters, no conflicts (2 of 4 stars). 2 submissions from 2 submitters: Uncertain significance (2). Last evaluated 2025-12-11.

Conditions:
Colorectal cancer, hereditary nonpolyposis, type 7. Identifiers: Orphanet 144, MedGen C1858380, MONDO:0013725, OMIM 614385.

Allele frequency attached by ClinVar (database versions not stated): TOPMed 0.00001; gnomAD 0.00002.

Submissions (2):

Labcorp Genetics (formerly Invitae), Labcorp
Classification: Uncertain significance for Colorectal cancer, hereditary nonpolyposis, type 7. Last evaluated: 2025-12-11. Review status: criteria provided, single submitter. Criteria: Invitae Variant Classification Sherloc (09022015). Collection method: clinical testing. Allele origin: germline.
Comment: This sequence change replaces histidine, which is basic and polar, with asparagine, which is neutral and polar, at codon 611 of the MLH3 protein (p.His611Asn). This variant is not present in population databases (gnomAD no frequency). This variant has not been reported in the literature in individuals affected with MLH3-related conditions. ClinVar contains an entry for this variant (Variation ID: 2139699). An algorithm developed to predict the effect of missense changes on protein structure and function (PolyPhen-2) suggests that this variant is likely to be disruptive. In summary, the available evidence is currently insufficient to determine the role of this variant in disease. Therefore, it has been classified as a Variant of Uncertain Significance.

Ambry Genetics
Classification: Uncertain significance. Last evaluated: 2025-09-27. Review status: criteria provided, single submitter. Criteria: Ambry Variant Classification Scheme 2023. Collection method: clinical testing. Allele origin: germline.